The following is an entry in ClinVar:

NM_032808.7(LINGO1):c.1194G>A (p.Thr398=)

Gene: LINGO1 (leucine rich repeat and Ig domain containing 1; minus strand). Cytogenetic location: 15q24.3.
Variant type: single nucleotide variant.
Coding change: c.1194G>A on transcript NM_032808.7 (MANE Select); coding-DNA position 1194, G replaced by A.
Protein change: p.Thr398=; no amino-acid change (threonine 398 retained).
Molecular consequence: synonymous variant.
Genome position (GRCh38, 1-based): chr15:77,614,713, C>T on the plus strand (G>A on the coding strand, the complement: LINGO1 is on the minus strand). VCF-style: chr15-77614713-C-T. GRCh37 (hg19) VCF-style: chr15-77907055-C-T.
Other names: c.1194G>A (NM_032808.6); c.1176G>A, p.Thr392= (NM_001301200.2, NM_001301186.2, NM_001301187.2 and 8 more transcripts).
Identifiers: ClinVar variation 2645597 (VCV002645597.25), dbSNP rs147726308, ClinGen allele CA7677827.

ClinVar aggregate classification (germline): Likely benign. Review status: criteria provided, single submitter (1 of 4 stars). 2 submissions from 2 submitters: Likely benign (1). 1 of the submissions does not count toward it. Last evaluated 2025-03-01.

Conditions:
LINGO1-related disorder. Also called: LINGO1-related condition.

Allele frequency attached by ClinVar (database versions not stated): 1000 Genomes Project 30x 0.00078; 1000 Genomes Project 0.00100; ExAC 0.00136; ESP Exome Variant Server 0.00151; gnomAD 0.00174; TOPMed 0.00183.
gnomAD v4.1: 2,836 of 1,607,276 alleles (0.18%); highest among the groups gnomAD compares: African/African-American, 0.26%; 3 homozygotes.

Submissions (2):

CeGaT Center for Human Genetics Tuebingen
Classification: Likely benign. Last evaluated: 2025-03-01. Review status: criteria provided, single submitter. Criteria: CeGaT Center For Human Genetics Tuebingen Variant Classification Criteria Version 2. Collection method: clinical testing. Allele origin: germline. Affected: yes. Observed: 12 variant alleles.
Comment: LINGO1: BP4, BP7

PreventionGenetics, part of Exact Sciences
Classification: Likely benign for LINGO1-related condition. Last evaluated: 2019-03-14. Review status: no assertion criteria provided. Collection method: clinical testing. Allele origin: germline. Not counted in ClinVar's aggregate classification.
Comment: This variant is classified as likely benign based on ACMG/AMP sequence variant interpretation guidelines (Richards et al. 2015 PMID: 25741868, with internal and published modifications).